The following is an entry in ClinVar:

NM_003334.4(UBA1):c.2273A>G (p.Asn758Ser)

Gene: UBA1 (ubiquitin like modifier activating enzyme 1; plus strand). Cytogenetic location: Xp11.3.
Variant type: single nucleotide variant.
Coding change: c.2273A>G on transcript NM_003334.4 (MANE Select); coding-DNA position 2273, A replaced by G.
Protein change: p.Asn758Ser; replaces asparagine 758 with serine.
Molecular consequence: missense variant.
Genome position (GRCh38, 1-based): chrX:47,210,915, A>G. VCF-style: chrX-47210915-A-G. GRCh37 (hg19) VCF-style: chrX-47070314-A-G.
Other names: c.2273A>G, p.Asn758Ser (NM_153280.3); c.2273A>G (NM_003334.3); short protein forms N758S.
Identifiers: ClinVar variation 2197867 (VCV002197867.5), dbSNP rs782727078, ClinGen allele CA10396092.

ClinVar aggregate classification (germline): Conflicting classifications of pathogenicity. Review status: criteria provided, conflicting classifications (1 of 4 stars). 2 submissions from 2 submitters: Uncertain significance (1); Likely benign (1). Last evaluated 2023-12-08.

Conditions:
Inborn genetic diseases. Identifiers: MedGen C0950123, MeSH D030342.
Infantile-onset X-linked spinal muscular atrophy. Also called: Spinal muscular atrophy, X-linked 2; SPINAL MUSCULAR ATROPHY, X-LINKED LETHAL INFANTILE; AMC, DISTAL, X-LINKED; ARTHROGRYPOSIS, X-LINKED, TYPE I; Spinal Muscular Atrophy, X-Linked Infantile. Identifiers: Orphanet 1145, MedGen C1844934, MONDO:0010532, OMIM 301830.

Allele frequency attached by ClinVar (database versions not stated): gnomAD 0.00001; gnomAD exomes 0.00001; TOPMed 0.00002; ExAC 0.00004.
gnomAD v4.1: 8 of 1,209,343 alleles (0.00066%); highest among the groups gnomAD compares: East Asian, 0.015%; no homozygotes.

Submissions (2):

Ambry Genetics
Classification: Likely benign for Inborn genetic diseases. Last evaluated: 2023-12-08. Review status: criteria provided, single submitter. Criteria: Ambry Variant Classification Scheme 2023. Collection method: clinical testing. Allele origin: germline.

Labcorp Genetics (formerly Invitae), Labcorp
Classification: Uncertain significance for Infantile-onset X-linked spinal muscular atrophy. Last evaluated: 2022-10-20. Review status: criteria provided, single submitter. Criteria: Invitae Variant Classification Sherloc (09022015). Collection method: clinical testing. Allele origin: germline.
Comment: This variant has not been reported in the literature in individuals affected with UBA1-related conditions. This variant is present in population databases (rs782727078, gnomAD 0.03%), including at least one homozygous and/or hemizygous individual. This sequence change replaces asparagine, which is neutral and polar, with serine, which is neutral and polar, at codon 758 of the UBA1 protein (p.Asn758Ser). Algorithms developed to predict the effect of missense changes on protein structure and function (SIFT, PolyPhen-2, Align-GVGD) all suggest that this variant is likely to be tolerated. In summary, the available evidence is currently insufficient to determine the role of this variant in disease. Therefore, it has been classified as a Variant of Uncertain Significance.